The following is an entry in ClinVar:

ClinVar aggregate classification (germline): Uncertain significance (1 of 4 stars; one submission).

gnomAD v4.1: 1 of 1,262,702 alleles (0.000079%); highest among the groups gnomAD compares: Non-Finnish European, 0.000099%; no homozygotes.

Submission:

Labcorp Genetics (formerly Invitae), Labcorp
Classification: Uncertain significance. Last evaluated: 2025-01-12. Review status: criteria provided, single submitter. Criteria: Invitae Variant Classification Sherloc (09022015). Collection method: clinical testing. Allele origin: germline.
Comment: This sequence change replaces glycine, which is neutral and non-polar, with arginine, which is basic and polar, at codon 34 of the DEAF1 protein (p.Gly34Arg). This variant is not present in population databases (gnomAD no frequency). This variant has not been reported in the literature in individuals affected with DEAF1-related conditions. Invitae Evidence Modeling of protein sequence and biophysical properties (such as structural, functional, and spatial information, amino acid conservation, physicochemical variation, residue mobility, and thermodynamic stability) indicates that this missense variant is not expected to disrupt DEAF1 protein function with a negative predictive value of 80%. In summary, the available evidence is currently insufficient to determine the role of this variant in disease. Therefore, it has been classified as a Variant of Uncertain Significance.

NM_021008.4(DEAF1):c.100G>A (p.Gly34Arg)

Gene: DEAF1 (DEAF1 transcription factor; minus strand). Cytogenetic location: 11p15.5.
Variant type: single nucleotide variant.
Coding change: c.100G>A on transcript NM_021008.4 (MANE Select); coding-DNA position 100, G replaced by A.
Protein change: p.Gly34Arg; replaces glycine 34 with arginine.
Molecular consequence: missense variant. On other transcripts: intron variant (1).
Genome position (GRCh38, 1-based): chr11:694,948, C>T on the plus strand (G>A on the coding strand, the complement: DEAF1 is on the minus strand). VCF-style: chr11-694948-C-T. GRCh37 (hg19) VCF-style: chr11-694948-C-T.
Other names: c.100G>A, p.Gly34Arg (NM_001293634.2); c.-437-3350G>A (NM_001367390.1); short protein forms G34R.
Identifiers: ClinVar variation 3708533 (VCV003708533.2).
Genomic context (GRCh38, chr11:694,948, plus strand): 5'-AGTCTGCGTCCTCCTCCGAGTCCTCGTCCCTGCTCAGCACCGGCTCCTCCGCCTCGCCTC[C>T]TGCCGCGGCCGCGGCCGCCGCCGCCACAGCGGCCGCGGCCGCCACCGCCGCCGCCTCAGC-3'
Protein context (NP_066288.2, residues 24-44): AVAAAAAAAA[Gly34Arg]GEAEEPVLSR